The following is an entry in ClinVar:

NM_032608.7(MYO18B):c.7299C>T (p.Tyr2433=)

Gene: MYO18B (myosin XVIIIB; plus strand). Cytogenetic location: 22q12.1.
Variant type: single nucleotide variant.
Coding change: c.7299C>T on transcript NM_032608.7 (MANE Select); coding-DNA position 7299, C replaced by T.
Protein change: p.Tyr2433=; no amino-acid change (tyrosine 2433 retained).
Molecular consequence: synonymous variant.
Genome position (GRCh38, 1-based): chr22:26,027,273, C>T. VCF-style: chr22-26027273-C-T. GRCh37 (hg19) VCF-style: chr22-26423239-C-T.
Other names: c.7302C>T, p.Tyr2434= (NM_001318245.2); c.7299C>T (NM_032608.6).
Identifiers: ClinVar variation 1598344 (VCV001598344.10), dbSNP rs554059290, ClinGen allele CA10161744.

ClinVar aggregate classification (germline): Likely benign. Review status: criteria provided, single submitter (1 of 4 stars). 2 submissions from 2 submitters: Likely benign (1). 1 of the submissions does not count toward it. Last evaluated 2026-01-19.

Conditions:
MYO18B-related disorder. Also called: MYO18B-related condition.

Allele frequency attached by ClinVar (database versions not stated): gnomAD 0.00005 and 0.00011; TOPMed 0.00005; gnomAD exomes 0.00012 and 0.00021; 1000 Genomes Project 30x 0.00016; 1000 Genomes Project 0.00020; ExAC 0.00025.
gnomAD v4.1: 198 of 1,613,984 alleles (0.012%); highest among the groups gnomAD compares: South Asian, 0.15%; 2 homozygotes.

Submissions (2):

Labcorp Genetics (formerly Invitae), Labcorp
Classification: Likely benign. Last evaluated: 2026-01-19. Review status: criteria provided, single submitter. Criteria: Invitae Variant Classification Sherloc (09022015). Collection method: clinical testing. Allele origin: germline.

PreventionGenetics, part of Exact Sciences
Classification: Likely benign for MYO18B-related condition. Last evaluated: 2019-04-29. Review status: no assertion criteria provided. Collection method: clinical testing. Allele origin: germline. Not counted in ClinVar's aggregate classification.
Comment: This variant is classified as likely benign based on ACMG/AMP sequence variant interpretation guidelines (Richards et al. 2015 PMID: 25741868, with internal and published modifications).